The following is an entry in ClinVar:

NM_004863.4(SPTLC2):c.187T>C (p.Phe63Leu)

Gene: SPTLC2 (serine palmitoyltransferase long chain base subunit 2; minus strand). Cytogenetic location: 14q24.3.
Variant type: single nucleotide variant.
Coding change: c.187T>C on transcript NM_004863.4 (MANE Select); coding-DNA position 187, T replaced by C.
Protein change: p.Phe63Leu; replaces phenylalanine 63 with leucine.
Molecular consequence: missense variant.
Genome position (GRCh38, 1-based): chr14:77,597,326, A>G on the plus strand (T>C on the coding strand, the complement: SPTLC2 is on the minus strand). VCF-style: chr14-77597326-A-G. GRCh37 (hg19) VCF-style: chr14-78063669-A-G.
Other names: short protein forms F63L.
Identifiers: ClinVar variation 864607 (VCV000864607.9), dbSNP rs2079852842, ClinGen allele CA390705775.
Genomic context (GRCh38, chr14:77,597,326, plus strand): 5'-GGGTGAGTACGCCATACCCCACATACGTGAGCACAGCAACCAGCATTGGTGTTTCTTCAA[A>G]AGCTTCATTAAACGGTCTTTTATATAGTCCTCCATTTTGTGTAACATGATGGATCTAAAA-3'
Protein context (NP_004854.1, residues 53-73): GLYKRPFNEA[Phe63Leu]EETPMLVAVL

ClinVar aggregate classification (germline): Uncertain significance (1 of 4 stars; one submission).

Conditions:
Neuropathy, hereditary sensory and autonomic, type 1C. Also called: HSAN IC; HSN IC. Identifiers: Orphanet 36386, MedGen C3150896, MONDO:0013337, OMIM 613640.

Submission:

Labcorp Genetics (formerly Invitae), Labcorp
Classification: Uncertain significance for Neuropathy, hereditary sensory and autonomic, type 1C. Last evaluated: 2023-01-01. Review status: criteria provided, single submitter. Criteria: Invitae Variant Classification Sherloc (09022015). Collection method: clinical testing. Allele origin: germline.
Comment: This variant is not present in population databases (gnomAD no frequency). This sequence change replaces phenylalanine, which is neutral and non-polar, with leucine, which is neutral and non-polar, at codon 63 of the SPTLC2 protein (p.Phe63Leu). This variant has not been reported in the literature in individuals affected with SPTLC2-related conditions. In summary, the available evidence is currently insufficient to determine the role of this variant in disease. Therefore, it has been classified as a Variant of Uncertain Significance. Algorithms developed to predict the effect of missense changes on protein structure and function are either unavailable or do not agree on the potential impact of this missense change (SIFT: "Deleterious"; PolyPhen-2: "Benign"; Align-GVGD: "Class C0"). ClinVar contains an entry for this variant (Variation ID: 864607).